The following is an entry in ClinVar:

NM_024675.4(PALB2):c.2639C>A (p.Ala880Asp)

Gene: PALB2 (partner and localizer of BRCA2; minus strand). Cytogenetic location: 16p12.2.
Variant type: single nucleotide variant.
Coding change: c.2639C>A on transcript NM_024675.4 (MANE Select); coding-DNA position 2639, C replaced by A.
Protein change: p.Ala880Asp; replaces alanine 880 with aspartic acid.
Molecular consequence: missense variant.
Genome position (GRCh38, 1-based): chr16:23,626,345, G>T on the plus strand (C>A on the coding strand, the complement: PALB2 is on the minus strand). VCF-style: chr16-23626345-G-T. GRCh37 (hg19) VCF-style: chr16-23637666-G-T.
Other names: short protein forms A880D.
Identifiers: ClinVar variation 658731 (VCV000658731.9), dbSNP rs1597085237, ClinGen allele CA395122148.

ClinVar aggregate classification (germline): Uncertain significance (1 of 4 stars; one submission).

Conditions:
Familial cancer of breast. Also called: Hereditary breast cancer; hereditary breast carcinoma; BREAST CANCER, FAMILIAL. Identifiers: Orphanet 227535, MedGen C0346153, MONDO:0016419, OMIM 114480. Disease mechanism: loss of function.

Submission:

Labcorp Genetics (formerly Invitae), Labcorp
Classification: Uncertain significance for Familial cancer of breast. Last evaluated: 2022-01-07. Review status: criteria provided, single submitter. Criteria: Invitae Variant Classification Sherloc (09022015). Collection method: clinical testing. Allele origin: germline.
Comment: This sequence change replaces alanine, which is neutral and non-polar, with aspartic acid, which is acidic and polar, at codon 880 of the PALB2 protein (p.Ala880Asp). This variant is not present in population databases (gnomAD no frequency). This variant has not been reported in the literature in individuals affected with PALB2-related conditions. ClinVar contains an entry for this variant (Variation ID: 658731). Algorithms developed to predict the effect of missense changes on protein structure and function are either unavailable or do not agree on the potential impact of this missense change (SIFT: "Tolerated"; PolyPhen-2: "Probably Damaging"; Align-GVGD: "Class C0"). In summary, the available evidence is currently insufficient to determine the role of this variant in disease. Therefore, it has been classified as a Variant of Uncertain Significance.